The following is an entry in ClinVar:

ClinVar aggregate classification (germline): Uncertain significance. Review status: criteria provided, multiple submitters, no conflicts (2 of 4 stars). 2 submissions from 2 submitters: Uncertain significance (2). Last evaluated 2026-07-29.

Conditions:
Tuberous sclerosis 2 (TSC2). Identifiers: Orphanet 805, MedGen C1860707, MONDO:0013199, OMIM 613254.
Hereditary cancer-predisposing syndrome. Also called: Neoplastic Syndromes, Hereditary; Tumor predisposition; Hereditary Cancer Syndrome; Hereditary neoplastic syndrome. Identifiers: Orphanet 140162, MedGen C0027672, MeSH D009386, MONDO:0015356.

Submissions (2):

Ambry Genetics
Classification: Uncertain significance for Hereditary cancer-predisposing syndrome. Last evaluated: 2026-07-29. Review status: criteria provided, single submitter. Criteria: Ambry Variant Classification Scheme 2023. Collection method: clinical testing. Allele origin: germline.
Comment: The p.L1533P variant (also known as c.4598T>C), located in coding exon 35 of the TSC2 gene, results from a T to C substitution at nucleotide position 4598. The leucine at codon 1533 is replaced by proline, an amino acid with similar properties. This amino acid position is well conserved in available vertebrate species. In addition, this alteration is predicted to be deleterious by in silico analysis. Based on the available evidence, the clinical significance of this variant remains unclear.

Labcorp Genetics (formerly Invitae), Labcorp
Classification: Uncertain significance for Tuberous sclerosis 2. Last evaluated: 2025-12-22. Review status: criteria provided, single submitter. Criteria: Invitae Variant Classification Sherloc (09022015). Collection method: clinical testing. Allele origin: germline.
Comment: This sequence change replaces leucine, which is neutral and non-polar, with proline, which is neutral and non-polar, at codon 1533 of the TSC2 protein (p.Leu1533Pro). This variant is not present in population databases (gnomAD no frequency). This variant has not been reported in the literature in individuals affected with TSC2-related conditions. ClinVar contains an entry for this variant (Variation ID: 3974665). Invitae Evidence Modeling of protein sequence and biophysical properties (such as structural, functional, and spatial information, amino acid conservation, physicochemical variation, residue mobility, and thermodynamic stability) has been performed for this missense variant. However, the output from this modeling did not meet the statistical confidence thresholds required to predict the impact of this variant on TSC2 protein function. In summary, the available evidence is currently insufficient to determine the role of this variant in disease. Therefore, it has been classified as a Variant of Uncertain Significance.

NM_000548.5(TSC2):c.4598T>C (p.Leu1533Pro)

Gene: TSC2 (TSC complex subunit 2; plus strand). Cytogenetic location: 16p13.3.
Variant type: single nucleotide variant.
Coding change: c.4598T>C on transcript NM_000548.5 (MANE Select); coding-DNA position 4598, T replaced by C.
Protein change: p.Leu1533Pro; replaces leucine 1533 with proline.
Molecular consequence: missense variant. On other transcripts: non-coding transcript variant (5).
Genome position (GRCh38, 1-based): chr16:2,085,258, T>C. VCF-style: chr16-2085258-T-C. GRCh37 (hg19) VCF-style: chr16-2135259-T-C.
Other names: c.3053T>C, p.Leu1018Pro (NM_001406695.1, NM_001406696.1, NM_001406697.1); c.2795T>C, p.Leu932Pro (NM_001406698.1); c.4469T>C, p.Leu1490Pro (NM_021055.3, NM_001370405.1); c.4397T>C, p.Leu1466Pro (NM_001077183.3); c.4529T>C, p.Leu1510Pro (NM_001114382.3); c.4289T>C, p.Leu1430Pro (NM_001318827.2); c.4253T>C, p.Leu1418Pro (NM_001318829.2); c.3866T>C, p.Leu1289Pro (NM_001318831.2); and 26 more; short protein forms L1018P, L1313P, L1430P, L1467P, L1497P, L1266P, L1267P, L1333P.
Identifiers: ClinVar variation 3974665 (VCV003974665.3).